The following is an entry in ClinVar:

ClinVar aggregate classification (germline): Uncertain significance (1 of 4 stars; one submission).

Allele frequency attached by ClinVar (database versions not stated): TOPMed below 0.00001; gnomAD 0.00001.
gnomAD v4.1: 25 of 1,613,264 alleles (0.0015%); highest among the groups gnomAD compares: Admixed American, 0.005%; no homozygotes.

Submission:

Labcorp Genetics (formerly Invitae), Labcorp
Classification: Uncertain significance. Last evaluated: 2022-11-28. Review status: criteria provided, single submitter. Criteria: Invitae Variant Classification Sherloc (09022015). Collection method: clinical testing. Allele origin: germline.
Comment: In summary, the available evidence is currently insufficient to determine the role of this variant in disease. Therefore, it has been classified as a Variant of Uncertain Significance. Algorithms developed to predict the effect of missense changes on protein structure and function output the following: SIFT: "Tolerated"; PolyPhen-2: "Benign"; Align-GVGD: "Class C0". The threonine amino acid residue is found in multiple mammalian species, which suggests that this missense change does not adversely affect protein function. This variant has not been reported in the literature in individuals affected with BLK-related conditions. This variant is present in population databases (rs775270203, gnomAD 0.003%). This sequence change replaces alanine, which is neutral and non-polar, with threonine, which is neutral and polar, at codon 30 of the BLK protein (p.Ala30Thr).

NM_001715.3(BLK):c.88G>A (p.Ala30Thr)

Gene: BLK (BLK proto-oncogene, Src family tyrosine kinase). Cytogenetic location: 8p23.1.
Variant type: single nucleotide variant.
Coding change: c.88G>A on transcript NM_001715.3 (MANE Select); coding-DNA position 88, G replaced by A.
Protein change: p.Ala30Thr; replaces alanine 30 with threonine.
Molecular consequence: missense variant. On other transcripts: intron variant (1).
Genome position (GRCh38, 1-based): chr8:11,543,312, G>A. VCF-style: chr8-11543312-G-A. GRCh37 (hg19) VCF-style: chr8-11400821-G-A.
Other names: c.-90-2740G>A (NM_001330465.2); short protein forms A30T.
Identifiers: ClinVar variation 2694887 (VCV002694887.3), dbSNP rs775270203, ClinGen allele CA4629655.